The following is an entry in ClinVar:

NM_005720.4(ARPC1B):c.546C>T (p.Pro182=)

Gene: ARPC1B (actin related protein 2/3 complex subunit 1B; plus strand). Cytogenetic location: 7q22.1.
Variant type: single nucleotide variant.
Coding change: c.546C>T on transcript NM_005720.4 (MANE Select); coding-DNA position 546, C replaced by T.
Protein change: p.Pro182=; no amino-acid change (proline 182 retained).
Molecular consequence: synonymous variant.
Genome position (GRCh38, 1-based): chr7:99,390,938, C>T. VCF-style: chr7-99390938-C-T. GRCh37 (hg19) VCF-style: chr7-98988561-C-T.
Identifiers: ClinVar variation 724011 (VCV000724011.10), dbSNP rs137947738, ClinGen allele CA4364056.
Genomic context (GRCh38, chr7:99,390,938, plus strand): 5'-TGCCTATCCCGGTAGGATCTTTTCAGCCTACATCAAGGAGGTGGAGGAACGGCCGGCACC[C>T]ACCCCGTGGGGCTCCAAGATGCCCTTTGGGGAACTGATGTTCGAATCCAGCAGTAGCTGC-3'
Protein context (NP_005711.1, residues 172-192): YIKEVEERPA[Pro182=]TPWGSKMPFG

ClinVar aggregate classification (germline): Benign. Review status: criteria provided, single submitter (1 of 4 stars). 2 submissions from 2 submitters: Benign (1). 1 of the submissions does not count toward it. Last evaluated 2026-01-27.

Conditions:
ARPC1B-related disorder. Also called: ARPC1B-related condition.

Allele frequency attached by ClinVar (database versions not stated): gnomAD exomes 0.00009 and 0.00024; TOPMed 0.00010; gnomAD 0.00011 and 0.00012; ESP Exome Variant Server 0.00015; ExAC 0.00020.
gnomAD v4.1: 155 of 1,612,870 alleles (0.0096%); highest among the groups gnomAD compares: Non-Finnish European, 0.0015%; 1 homozygote.

Submissions (2):

Labcorp Genetics (formerly Invitae), Labcorp
Classification: Benign. Last evaluated: 2026-01-27. Review status: criteria provided, single submitter. Criteria: Invitae Variant Classification Sherloc (09022015). Collection method: clinical testing. Allele origin: germline.

PreventionGenetics, part of Exact Sciences
Classification: Likely benign for ARPC1B-related condition. Last evaluated: 2019-06-27. Review status: no assertion criteria provided. Collection method: clinical testing. Allele origin: germline. Not counted in ClinVar's aggregate classification.
Comment: This variant is classified as likely benign based on ACMG/AMP sequence variant interpretation guidelines (Richards et al. 2015 PMID: 25741868, with internal and published modifications).